The following is an entry in ClinVar:

NM_000540.3(RYR1):c.9009C>T (p.Leu3003=)

Gene: RYR1 (ryanodine receptor 1; plus strand). Cytogenetic location: 19q13.2.
Variant type: single nucleotide variant.
Coding change: c.9009C>T on transcript NM_000540.3 (MANE Select); coding-DNA position 9009, C replaced by T.
Protein change: p.Leu3003=; no amino-acid change (leucine 3003 retained).
Molecular consequence: synonymous variant.
Genome position (GRCh38, 1-based): chr19:38,510,668, C>T. VCF-style: chr19-38510668-C-T. GRCh37 (hg19) VCF-style: chr19-39001308-C-T.
Other names: c.9009C>T, p.Leu3003= (NM_001042723.2).
Identifiers: ClinVar variation 1132730 (VCV001132730.10), dbSNP rs748143185, ClinGen allele CA073082.

ClinVar aggregate classification (germline): Conflicting classifications of pathogenicity. Review status: criteria provided, conflicting classifications (1 of 4 stars). 2 submissions from 2 submitters: Uncertain significance (1); Likely benign (1). Last evaluated 2023-10-23.

Conditions:
Malignant hyperthermia, susceptibility to, 1 (MHS1). Also called: RYR1-Related Malignant Hyperthermia Susceptibility; Malignant hyperthermia suceptibility 1; Anesthesia related hyperthermia; Malignant hyperpyrexia; Fulminating hyperpyrexia; Pharmacogenic myopathy. Identifiers: Orphanet 423, MedGen C2930980, MONDO:0007783, OMIM 145600.
RYR1-related disorder. Also called: RYR1-related condition; RYR1-related disorders. Identifiers: MedGen CN239331.

Allele frequency attached by ClinVar (database versions not stated): ExAC 0.00001; gnomAD 0.00001; gnomAD exomes 0.00001; TOPMed 0.00002.
gnomAD v4.1: 2 of 1,614,032 alleles (0.00012%); highest among the groups gnomAD compares: Non-Finnish European, 0.00017%; no homozygotes.

Submissions (2):

All of Us Research Program, National Institutes of Health
Classification: Uncertain significance for Malignant hyperthermia, susceptibility to, 1. Last evaluated: 2023-10-23. Review status: criteria provided, single submitter. Criteria: ACMG Guidelines, 2015. Collection method: clinical testing. Allele origin: germline. Inheritance: Autosomal dominant inheritance. Observed: 1 variant allele, 1 heterozygote.
Comment: This variant is located in the RYR1 protein. To our knowledge, functional studies have not been reported for this variant. This variant has not been reported in individuals affected with RYR1-related disorders in the literature. This variant has been identified in 2/251488 chromosomes in the general population by the Genome Aggregation Database (gnomAD). The available evidence is insufficient to determine the role of this variant in disease conclusively. Therefore, this variant is classified as a Variant of Uncertain Significance.

This study involves interpretation of variants in research participants for the purpose of population health screening. Participant phenotype was not available at the time of variant classification. Additional details can be found in publication PMID: 35346344, PMCID: PMC8962531

Labcorp Genetics (formerly Invitae), Labcorp
Classification: Likely benign for RYR1-related disorder. Last evaluated: 2023-08-24. Review status: criteria provided, single submitter. Criteria: Invitae Variant Classification Sherloc (09022015). Collection method: clinical testing. Allele origin: germline.